The following is an entry in ClinVar:

ClinVar aggregate classification (germline): Benign. Review status: criteria provided, multiple submitters, no conflicts (2 of 4 stars). 9 submissions from 9 submitters: Benign (9). Last evaluated 2026-02-04.

Conditions:
Fetal akinesia deformation sequence 1 (FADS1). Also called: Pena-Shokeir syndrome type I; Fetal akinesia sequence. Identifiers: Orphanet 994, MedGen C1276035, MONDO:0100101, OMIM 208150, HP:0001989.
Congenital myasthenic syndrome 10. Also called: Myasthenia, limb-girdle, familial. Identifiers: Orphanet 590, MedGen C1850792, MONDO:0009690, OMIM 254300.

Allele frequency attached by ClinVar (database versions not stated): ESP Exome Variant Server 0.16148; TOPMed 0.18486; 1000 Genomes Project 30x 0.19363; 1000 Genomes Project 0.19549; gnomAD exomes 0.20663; ExAC 0.25196.
gnomAD v4.1: 324,029 of 1,595,910 alleles (20%); highest among the groups gnomAD compares: South Asian, 32%; 34,550 homozygotes.

Submissions (9):

Labcorp Genetics (formerly Invitae), Labcorp
Classification: Benign for Congenital myasthenic syndrome 10; Fetal akinesia deformation sequence 1. Last evaluated: 2026-02-04. Review status: criteria provided, single submitter. Criteria: Invitae Variant Classification Sherloc (09022015). Collection method: clinical testing. Allele origin: germline.

Blueprint Genetics
Classification: Benign. Last evaluated: 2024-11-26. Review status: criteria provided, single submitter. Criteria: ACMG Guidelines, 2015. Collection method: clinical testing. Allele origin: germline.

Mendelics
Classification: Benign for Fetal akinesia deformation sequence 1. Last evaluated: 2019-05-28. Review status: criteria provided, single submitter. Criteria: Mendelics Assertion Criteria 2017. Collection method: clinical testing. Allele origin: unknown.

Mayo Clinic Laboratories, Mayo Clinic
Classification: Benign. Last evaluated: 2017-08-24. Review status: criteria provided, single submitter. Criteria: ACMG Guidelines, 2015. Collection method: clinical testing. Allele origin: germline. Observed: 147 variant alleles.

GeneDx
Classification: Benign. Last evaluated: 2016-04-28. Review status: criteria provided, single submitter. Criteria: GeneDx Variant Classification (06012015). Collection method: clinical testing. Allele origin: germline. Affected: yes.
Comment: This variant is considered likely benign or benign based on one or more of the following criteria: it is a conservative change, it occurs at a poorly conserved position in the protein, it is predicted to be benign by multiple in silico algorithms, and/or has population frequency not consistent with disease.

Eurofins Ntd Llc (ga)
Classification: Benign. Last evaluated: 2015-02-18. Review status: criteria provided, single submitter. Criteria: EGL Classification Definitions 2015. Collection method: clinical testing. Allele origin: germline. Observed: 2 variant alleles, 2 heterozygotes.

Genetic Services Laboratory, University of Chicago
Classification: Benign for AllHighlyPenetrant. Last evaluated: 2013-08-15. Review status: criteria provided, single submitter. Criteria: ACMG Guidelines, 2007. Collection method: clinical testing. Allele origin: germline. Inheritance: Autosomal recessive inheritance.

Breakthrough Genomics
Classification: Benign. Review status: criteria provided, single submitter. Criteria: ACMG Guidelines, 2015. Collection method: not provided. Allele origin: germline. Inheritance: Autosomal recessive inheritance. Affected: yes.

PreventionGenetics, part of Exact Sciences
Classification: Benign. Review status: criteria provided, single submitter. Criteria: ACMG Guidelines, 2015. Collection method: clinical testing. Allele origin: germline.

NM_173660.5(DOK7):c.1382G>A (p.Gly461Asp)

Gene: DOK7 (docking protein 7; plus strand). Cytogenetic location: 4p16.3.
Variant type: single nucleotide variant.
Coding change: c.1382G>A on transcript NM_173660.5 (MANE Select); coding-DNA position 1382, G replaced by A.
Protein change: p.Gly461Asp; replaces glycine 461 with aspartic acid.
Molecular consequence: missense variant. On other transcripts: 3 prime UTR variant (1).
Genome position (GRCh38, 1-based): chr4:3,493,368, G>A. VCF-style: chr4-3493368-G-A. GRCh37 (hg19) VCF-style: chr4-3495095-G-A.
Other names: c.*603G>A (NM_001164673.2); c.452G>A, p.Gly151Asp (NM_001256896.2); c.1382G>A, p.Gly461Asp (NM_001301071.2); c.950G>A, p.Gly317Asp (NM_001363811.2); short protein forms G461D, G317D, G151D.
Identifiers: ClinVar variation 128911 (VCV000128911.23), dbSNP rs9684786, ClinGen allele CA152601.
Genomic context (GRCh38, chr4:3,493,368, plus strand): 5'-GGTGTCCCTCTGGCTGGCTGGGCACGAGACGGCGGGGCCTGGTGATGGAGGCCCCCCAGG[G>A]CAGCGAGGCCACACTGCCTGGCCCTGCCCCTGGCGAGCCCTGGGAAGCAGGCGGCCCCCA-3'
Protein context (NP_775931.3, residues 451-471): RRGLVMEAPQ[Gly461Asp]SEATLPGPAP